The following is an entry in ClinVar:

NM_003073.5(SMARCB1):c.93+1G>A

Gene: SMARCB1 (SWI/SNF related BAF chromatin remodeling complex subunit B1; plus strand). Cytogenetic location: 22q11.23.
Variant type: single nucleotide variant.
Coding change: c.93+1G>A on transcript NM_003073.5 (MANE Select); the canonical splice donor site of the intron after coding-DNA position 93, G replaced by A.
Molecular consequence: splice donor variant.
Genome position (GRCh38, 1-based): chr22:23,787,263, G>A. VCF-style: chr22-23787263-G-A. GRCh37 (hg19) VCF-style: chr22-24129450-G-A.
Other names: c.93+1G>A (NM_003073.3, NM_001362877.2, NM_001317946.2 and 1 more transcripts).
Identifiers: ClinVar variation 2756048 (VCV002756048.4), dbSNP rs2145952201, ClinGen allele CA410931048.

ClinVar aggregate classification (germline): Likely pathogenic. Review status: criteria provided, multiple submitters, no conflicts (2 of 4 stars). 2 submissions from 2 submitters: Likely pathogenic (2). Last evaluated 2026-04-24.

Conditions:
Hereditary cancer-predisposing syndrome. Also called: Tumor predisposition; Hereditary neoplastic syndrome; Neoplastic Syndromes, Hereditary; Hereditary Cancer Syndrome. Identifiers: Orphanet 140162, MedGen C0027672, MeSH D009386, MONDO:0015356.

Submissions (2):

Ambry Genetics
Classification: Likely pathogenic for Hereditary cancer-predisposing syndrome. Last evaluated: 2026-04-24. Review status: criteria provided, single submitter. Criteria: Ambry Variant Classification Scheme 2023. Collection method: clinical testing. Allele origin: germline.
Comment: The c.93+1G>A intronic variant results from a G to A substitution one nucleotide after coding exon 1 of the SMARCB1 gene. This nucleotide position is highly conserved in available vertebrate species. In silico splice site analysis predicts that this alteration will weaken the native splice donor site. Alterations that disrupt the canonical splice site are expected to cause aberrant splicing, resulting in an abnormal protein or a transcript that is subject to nonsense-mediated mRNA decay. Loss-of-function variants in SMARCB1 are known to cause rhabdoid tumor predisposition syndrome; however, such associations with neurodevelopmental disorders are exceedingly rare (Kosho T et al. Am J Med Genet C Semin Med Genet. 2014 Sep;166C(3):262-75; Eaton KW et al. Pediatr Blood Cancer. 2011 Jan;56(1):7-15). Based on the supporting evidence, this variant is likely pathogenic for SMARCB1-related tumor predisposition syndromel; however, the association of this variant with Coffin-Siris syndrome is unlikely.

Labcorp Genetics (formerly Invitae), Labcorp
Classification: Likely pathogenic. Last evaluated: 2023-08-28. Review status: criteria provided, single submitter. Criteria: Invitae Variant Classification Sherloc (09022015). Collection method: clinical testing. Allele origin: germline.
Comment: In summary, the currently available evidence indicates that the variant is pathogenic, but additional data are needed to prove that conclusively. Therefore, this variant has been classified as Likely Pathogenic. Algorithms developed to predict the effect of sequence changes on RNA splicing suggest that this variant may disrupt the consensus splice site. Disruption of this splice site has been observed in individual(s) with clinical features of rhabdoid tumor predisposition syndrome (Invitae). This variant is not present in population databases (gnomAD no frequency). This sequence change affects a donor splice site in intron 1 of the SMARCB1 gene. It is expected to disrupt RNA splicing. Variants that disrupt the donor or acceptor splice site typically lead to a loss of protein function (PMID: 16199547), and loss-of-function variants in SMARCB1 are known to be pathogenic (PMID: 10521299, 21208904).

Literature cited by the submitters: PubMed 16199547 (cited by Labcorp Genetics (formerly Invitae), Labcorp); PubMed 10521299 (cited by Labcorp Genetics (formerly Invitae), Labcorp); PubMed 21208904 (cited by Labcorp Genetics (formerly Invitae), Labcorp).